The following is an entry in ClinVar:

NM_057175.5(NAA15):c.2015_2020del (p.Ile672_Glu673del)

Gene: NAA15 (N-alpha-acetyltransferase 15, NatA auxiliary subunit; plus strand). Cytogenetic location: 4q31.1.
Variant type: Deletion.
Coding change: c.2015_2020del on transcript NM_057175.5 (MANE Select); coding-DNA positions 2015 to 2020, 6 bases deleted (TAGAGA; older notation c.2015_2020delTAGAGA).
Protein change: p.Ile672_Glu673del.
Molecular consequence: inframe deletion.
Genome position (GRCh38, 1-based): chr4:139,376,432-139,376,437, TAGAGA deleted; deleting any 6 consecutive bases within chr4:139,376,429-139,376,437 gives the same sequence; the c. name uses the placement nearest the transcript's 3' end. VCF-style (leftmost placement, unchanged base first): chr4-139376428-AAGATAG-A. GRCh37 (hg19) VCF-style: chr4-140297582-AAGATAG-A.
Other names: c.2015_2020del, p.Ile672_Glu673del (NM_001410842.1); c.*424_*429delTAGAGA (NM_025085.2).
Identifiers: ClinVar variation 2729915 (VCV002729915.3), dbSNP rs2530459122, ClinGen allele CA2697546944.

ClinVar aggregate classification (germline): Uncertain significance (1 of 4 stars; one submission).

Submission:

Labcorp Genetics (formerly Invitae), Labcorp
Classification: Uncertain significance. Last evaluated: 2023-12-11. Review status: criteria provided, single submitter. Criteria: Invitae Variant Classification Sherloc (09022015). Collection method: clinical testing. Allele origin: germline.
Comment: This variant, c.2015_2020del, results in the deletion of 2 amino acid(s) of the NAA15 protein (p.Ile672_Glu673del), but otherwise preserves the integrity of the reading frame. This variant is not present in population databases (gnomAD no frequency). This variant has not been reported in the literature in individuals affected with NAA15-related conditions. Experimental studies and prediction algorithms are not available or were not evaluated, and the functional significance of this variant is currently unknown. In summary, the available evidence is currently insufficient to determine the role of this variant in disease. Therefore, it has been classified as a Variant of Uncertain Significance.